The following is an entry in ClinVar:

ClinVar aggregate classification (germline): Uncertain significance. Review status: criteria provided, multiple submitters, no conflicts (2 of 4 stars). 3 submissions from 3 submitters: Uncertain significance (3). Last evaluated 2026-09-14.

Conditions:
Cardiovascular phenotype. Identifiers: MedGen CN230736.
Myofibrillar myopathy 4. Also called: Zaspopathy (type). Identifiers: Orphanet 98912, MedGen C4721886, MONDO:0012277, OMIM 609452.

gnomAD v4.1: 3 of 1,613,200 alleles (0.00019%); no homozygotes.

Submissions (3):

Ambry Genetics
Classification: Uncertain significance for Cardiovascular phenotype. Last evaluated: 2026-09-14. Review status: criteria provided, single submitter. Criteria: Ambry Variant Classification Scheme 2023. Collection method: clinical testing. Allele origin: germline.
Comment: The p.T314I variant (also known as c.941C>T), located in coding exon 7 of the LDB3 gene, results from a C to T substitution at nucleotide position 941. The threonine at codon 314 is replaced by isoleucine, an amino acid with similar properties. This amino acid position is conserved. In addition, this alteration is predicted to be tolerated by in silico analysis. Based on the available evidence, the clinical significance of this variant remains unclear.

CeGaT Center for Human Genetics Tuebingen
Classification: Uncertain significance. Last evaluated: 2026-09-01. Review status: criteria provided, single submitter. Criteria: CeGaT Center For Human Genetics Tuebingen Variant Classification Criteria Version 2. Collection method: clinical testing. Allele origin: germline. Affected: yes. Observed: 2 variant alleles.
Comment: LDB3: PM2, BP4

Labcorp Genetics (formerly Invitae), Labcorp
Classification: Uncertain significance for Myofibrillar myopathy 4. Last evaluated: 2023-05-30. Review status: criteria provided, single submitter. Criteria: Invitae Variant Classification Sherloc (09022015). Collection method: clinical testing. Allele origin: germline.
Comment: Experimental studies and prediction algorithms are not available or were not evaluated, and the functional significance of this variant is currently unknown. In summary, the available evidence is currently insufficient to determine the role of this variant in disease. Therefore, it has been classified as a Variant of Uncertain Significance. This variant has not been reported in the literature in individuals affected with LDB3-related conditions. This variant is present in population databases (no rsID available, gnomAD 0.01%). This sequence change replaces threonine, which is neutral and polar, with isoleucine, which is neutral and non-polar, at codon 314 of the LDB3 protein (p.Thr314Ile). The LDB3 gene has multiple clinically relevant transcripts. This variant occurs in alternate transcript NM_007078.3, and corresponds to NM_001080116.1:c.*7201C>T in the primary transcript.

NM_007078.3(LDB3):c.941C>T (p.Thr314Ile)

Gene: LDB3 (LIM domain binding 3; plus strand). Cytogenetic location: 10q23.2.
Variant type: single nucleotide variant.
Coding change: c.941C>T on transcript NM_007078.3 (MANE Select); coding-DNA position 941, C replaced by T.
Protein change: p.Thr314Ile; replaces threonine 314 with isoleucine.
Molecular consequence: missense variant. On other transcripts: intron variant (4).
Genome position (GRCh38, 1-based): chr10:86,706,575, C>T. VCF-style: chr10-86706575-C-T. GRCh37 (hg19) VCF-style: chr10-88466332-C-T.
Other names: c.800C>T, p.Thr267Ile (NM_001368066.1); c.897-3330C>T (NM_001368064.1, NM_001368065.1); c.1101-3330C>T (NM_001171610.2); c.756-3330C>T (NM_001080114.2); short protein forms T267I, T314I.
Identifiers: ClinVar variation 3010368 (VCV003010368.6), dbSNP rs1564651912, ClinGen allele CA377446630.